The following is an entry in ClinVar:

ClinVar aggregate classification (germline): Likely benign (1 of 4 stars; one submission).

Submission:

CeGaT Center for Human Genetics Tuebingen
Classification: Likely benign. Last evaluated: 2025-12-01. Review status: criteria provided, single submitter. Criteria: CeGaT Center For Human Genetics Tuebingen Variant Classification Criteria Version 2. Collection method: clinical testing. Allele origin: germline. Affected: yes. Observed: 1 variant allele.
Comment: KCNQ5: PM2:Supporting, BP4, BP7

NM_019842.4(KCNQ5):c.2121T>A (p.Pro707=)

Gene: KCNQ5 (potassium voltage-gated channel subfamily Q member 5; plus strand). Cytogenetic location: 6q13.
Variant type: single nucleotide variant.
Coding change: c.2121T>A on transcript NM_019842.4 (MANE Select); coding-DNA position 2121, T replaced by A.
Protein change: p.Pro707=; no amino-acid change (proline 707 retained).
Molecular consequence: synonymous variant.
Genome position (GRCh38, 1-based): chr6:73,194,736, T>A. VCF-style: chr6-73194736-T-A. GRCh37 (hg19) VCF-style: chr6-73904459-T-A.
Other names: c.2094T>A, p.Pro698= (NM_001160130.2); c.2151T>A, p.Pro717= (NM_001160132.2); c.2178T>A, p.Pro726= (NM_001160133.2); c.1791T>A, p.Pro597= (NM_001160134.2).
Identifiers: ClinVar variation 4681928 (VCV004681928.5).
Genomic context (GRCh38, chr6:73,194,736, plus strand): 5'-CCTGCAGTTCATTCTGACGCCAAATGAGTTCAGTGCCCAGACTTTCTACGCGCTTAGCCC[T>A]ACTATGCACAGTCAAGCAACACAGGTGCCAATTAGTCAAAGCGATGGCTCAGCAGTGGCA-3'
Protein context (NP_062816.2, residues 697-717): FSAQTFYALS[Pro707=]TMHSQATQVP